The following is an entry in ClinVar:

NM_004360.5(CDH1):c.2352T>C (p.Arg784=)

Gene: CDH1 (cadherin 1; plus strand). Cytogenetic location: 16q22.1.
Variant type: single nucleotide variant.
Coding change: c.2352T>C on transcript NM_004360.5 (MANE Select); coding-DNA position 2352, T replaced by C.
Protein change: p.Arg784=; no amino-acid change (arginine 784 retained).
Molecular consequence: synonymous variant.
Genome position (GRCh38, 1-based): chr16:68,829,710, T>C. VCF-style: chr16-68829710-T-C. GRCh37 (hg19) VCF-style: chr16-68863613-T-C.
Other names: c.2352T>C (LRG_301t1); c.2169T>C, p.Arg723= (NM_001317184.2); c.804T>C, p.Arg268= (NM_001317185.2); c.387T>C, p.Arg129= (NM_001317186.2).
Identifiers: ClinVar variation 184996 (VCV000184996.23), dbSNP rs768796172, ClinGen allele CA190716.

ClinVar aggregate classification (germline): Benign/Likely benign. Review status: criteria provided, multiple submitters, no conflicts (2 of 4 stars). 6 submissions from 6 submitters: Benign (1); Likely benign (4). 1 of the submissions does not count toward it. Last evaluated 2025-08-09.

Conditions:
Breast and/or ovarian cancer. Identifiers: MedGen CN221562.
Hereditary cancer-predisposing syndrome. Also called: Tumor predisposition; Hereditary Cancer Syndrome; Hereditary neoplastic syndrome; Neoplastic Syndromes, Hereditary. Identifiers: Orphanet 140162, MedGen C0027672, MeSH D009386, MONDO:0015356.
Hereditary diffuse gastric adenocarcinoma (HDGC). Also called: DIFFUSE GASTRIC AND LOBULAR BREAST CANCER SYNDROME. Identifiers: Orphanet 26106, MedGen C1708349, MONDO:0007648, OMIM 137215.
Malignant tumor of breast. Also called: Cancer breast; Malignant breast neoplasm. Identifiers: MedGen C0006142, MONDO:0007254. Disease mechanism: loss of function.

Allele frequency attached by ClinVar (database versions not stated): gnomAD exomes below 0.00001; ExAC 0.00001.
gnomAD v4.1: 7 of 1,614,162 alleles (0.00043%); highest among the groups gnomAD compares: Non-Finnish European, 0.00059%; no homozygotes.

Submissions (6):

Labcorp Genetics (formerly Invitae), Labcorp
Classification: Likely benign for Hereditary diffuse gastric adenocarcinoma. Last evaluated: 2025-08-09. Review status: criteria provided, single submitter. Criteria: Invitae Variant Classification Sherloc (09022015). Collection method: clinical testing. Allele origin: germline.

Myriad Genetics, Inc.
Classification: Benign for Hereditary diffuse gastric adenocarcinoma. Last evaluated: 2024-09-23. Review status: criteria provided, single submitter. Criteria: Myriad Autosomal Dominant, Autosomal Recessive and X-Linked Classification Criteria (2023). Collection method: clinical testing. Allele origin: unknown.
Comment: This variant is considered benign. This variant is a silent/synonymous amino acid change and it is not expected to impact splicing.

CHEO Genetics Diagnostic Laboratory, Children's Hospital of Eastern Ontario
Classification: Likely benign for Breast and/or ovarian cancer. Last evaluated: 2022-07-27. Review status: criteria provided, single submitter. Criteria: ACMG Guidelines, 2015. Collection method: clinical testing. Allele origin: germline.

Ambry Genetics
Classification: Likely benign for Hereditary cancer-predisposing syndrome. Last evaluated: 2018-10-26. Review status: criteria provided, single submitter. Criteria: Ambry Variant Classification Scheme 2023. Collection method: clinical testing. Allele origin: germline.

Color Diagnostics, LLC DBA Color Health
Classification: Likely benign for Hereditary cancer-predisposing syndrome. Last evaluated: 2017-11-30. Review status: criteria provided, single submitter. Criteria: ACMG Guidelines, 2015. Collection method: clinical testing. Allele origin: germline.

Department of Pathology and Laboratory Medicine, Sinai Health System
Classification: Likely benign for Malignant tumor of breast. Review status: no assertion criteria provided. Collection method: clinical testing. Allele origin: unknown. Affected: yes. Study: The Canadian Open Genetics Repository (COGR). Not counted in ClinVar's aggregate classification.
Comment: The CDH1 p.Arg784= variant was not identified in the literature. The variant was identified in dbSNP (ID: rs768796172) as "With Likely benign allele" and in ClinVar (classified as likely benign by Invitae and Ambry Genetics). The variant was identified in control databases in 1 of 246250 chromosomes at a frequency of 0.000004 (Genome Aggregation Database Feb 27, 2017). The variant was observed in the European population in 1 of 111708 chromosomes (freq: 0.000009), while the variant was not observed in the African, Other, Latino, Ashkenazi Jewish, East Asian, Finnish, or South Asian populations. The p.Arg784= variant is not expected to have clinical significance because it does not result in a change of amino acid and is not located in a known consensus splice site. In addition, in silico or computational prediction software programs (SpliceSiteFinder, MaxEntScan, NNSPLICE, GeneSplicer) do not predict a difference in splicing. In summary, based on the above information, the clinical significance of this variant cannot be determined with certainty at this time although we would lean towards a more benign role for this variant. This variant is classified as likely benign.